The following is an entry in ClinVar:

ClinVar aggregate classification (germline): Uncertain significance (1 of 4 stars; one submission).

Submission:

GeneDx
Classification: Uncertain significance. Last evaluated: 2019-09-12. Review status: criteria provided, single submitter. Criteria: GeneDx Variant Classification Process June 2021. Collection method: clinical testing. Allele origin: germline. Affected: yes.
Comment: Not observed in large population cohorts (Lek et al., 2016); Intronic +5 splice site variant in a gene for which loss-of-function is a known mechanism of disease; Has not been previously published as pathogenic or benign to our knowledge

NM_001365902.3(NFIX):c.697+5G>T

Gene: NFIX (nuclear factor I X; plus strand). Cytogenetic location: 19p13.13.
Variant type: single nucleotide variant.
Coding change: c.697+5G>T on transcript NM_001365902.3 (MANE Select); 5 bases into the intron after coding-DNA position 697, G replaced by T.
Molecular consequence: intron variant.
Genome position (GRCh38, 1-based): chr19:13,073,501, G>T. VCF-style: chr19-13073501-G-T. GRCh37 (hg19) VCF-style: chr19-13184315-G-T.
Other names: c.697+5G>T (NM_002501.4, NM_001365982.2); c.673+5G>T (NM_001378404.1, NM_001271044.3); c.745+5G>T (NM_001378405.1); c.556+5G>T (NM_001365983.2); c.721+5G>T (NM_001271043.2); c.694+5G>T (NM_001365984.2, NM_001365985.2).
Identifiers: ClinVar variation 1311268 (VCV001311268.2), dbSNP rs2145432887, ClinGen allele CA2573054723.